The following is an entry in ClinVar:

ClinVar aggregate classification (germline): Uncertain significance (1 of 4 stars; one submission).

Conditions:
Hereditary nonpolyposis colorectal neoplasms. Identifiers: MedGen C0009405, MeSH D003123.

Submission:

Labcorp Genetics (formerly Invitae), Labcorp
Classification: Uncertain significance for Hereditary nonpolyposis colorectal neoplasms. Last evaluated: 2023-04-19. Review status: criteria provided, single submitter. Criteria: Invitae Variant Classification Sherloc (09022015). Collection method: clinical testing. Allele origin: germline.
Comment: This sequence change replaces alanine, which is neutral and non-polar, with glycine, which is neutral and non-polar, at codon 821 of the PMS2 protein (p.Ala821Gly). In summary, the available evidence is currently insufficient to determine the role of this variant in disease. Therefore, it has been classified as a Variant of Uncertain Significance. Experimental studies and prediction algorithms are not available or were not evaluated, and the functional significance of this variant is currently unknown. This variant has not been reported in the literature in individuals affected with PMS2-related conditions. The frequency data for this variant in the population databases (gnomAD) is considered unreliable due to the presence of homologous sequence, such as pseudogenes or paralogs, in the genome.

NM_000535.7(PMS2):c.2462_2466delinsGTCTC (p.Ala821Gly)

Gene: PMS2 (PMS1 homolog 2, mismatch repair system component; minus strand). Cytogenetic location: 7p22.1.
Variant type: Indel.
Coding change: c.2462_2466delinsGTCTC on transcript NM_000535.7 (MANE Select); coding-DNA positions 2462 to 2466, CTCTT replaced by GTCTC.
Protein change: p.Ala821Gly; replaces alanine 821 with glycine.
Molecular consequence: missense variant. On other transcripts: non-coding transcript variant (1).
Genome position (GRCh38, 1-based): chr7:5,973,522-5,973,526, AAGAG replaced by GAGAC on the plus strand (CTCTT replaced by GTCTC on the coding strand, the reverse complement: PMS2 is on the minus strand). VCF-style: chr7-5973522-AAGAG-GAGAC. GRCh37 (hg19) VCF-style: chr7-6013153-AAGAG-GAGAC.
Other names: c.2057_2061delCTCTTinsGTCTC, p.Ala686Gly (NM_001018040.1); c.2057_2061delinsGTCTC, p.Ala686Gly (NM_001322003.2, NM_001322004.2, NM_001322005.2 and 11 more transcripts); c.2306_2310delinsGTCTC, p.Ala769Gly (NM_001322006.2); c.2144_2148delinsGTCTC, p.Ala715Gly (NM_001322007.2, NM_001322008.2, NM_001406883.1); c.2090_2094delinsGTCTC, p.Ala697Gly (NM_001322009.2, NM_001406887.1, NM_001406888.1); c.1901_1905delinsGTCTC, p.Ala634Gly (NM_001322010.2, NM_001406906.1, NM_001406907.1); c.1529_1533delinsGTCTC, p.Ala510Gly (NM_001322011.2, NM_001322012.2); c.1889_1893delinsGTCTC, p.Ala630Gly (NM_001322013.2, NM_001406908.1, NM_001406909.1); and 21 more; short protein forms A686G, A697G, A718G, A726G, A755G, A769G, A780G, A785G.
Identifiers: ClinVar variation 2877237 (VCV002877237.3), dbSNP rs2535200420, ClinGen allele CA2739266241.